The following is an entry in ClinVar:

NM_003054.6(SLC18A2):c.1126C>T (p.Pro376Ser)

Gene: SLC18A2 (solute carrier family 18 member A2; plus strand). Cytogenetic location: 10q25.3.
Variant type: single nucleotide variant.
Coding change: c.1126C>T on transcript NM_003054.6 (MANE Select); coding-DNA position 1126, C replaced by T.
Protein change: p.Pro376Ser; replaces proline 376 with serine.
Molecular consequence: missense variant.
Genome position (GRCh38, 1-based): chr10:117,267,676, C>T. VCF-style: chr10-117267676-C-T. GRCh37 (hg19) VCF-style: chr10-119027187-C-T.
Other names: short protein forms P376S.
Identifiers: ClinVar variation 2090615 (VCV002090615.4), dbSNP rs999178848, ClinGen allele CA214691857.

ClinVar aggregate classification (germline): Uncertain significance (1 of 4 stars; one submission).

Submission:

Labcorp Genetics (formerly Invitae), Labcorp
Classification: Uncertain significance. Last evaluated: 2022-01-28. Review status: criteria provided, single submitter. Criteria: Invitae Variant Classification Sherloc (09022015). Collection method: clinical testing. Allele origin: germline.
Comment: This variant has not been reported in the literature in individuals affected with SLC18A2-related conditions. This variant is not present in population databases (gnomAD no frequency). This sequence change replaces proline, which is neutral and non-polar, with serine, which is neutral and polar, at codon 376 of the SLC18A2 protein (p.Pro376Ser). Algorithms developed to predict the effect of missense changes on protein structure and function (SIFT, PolyPhen-2, Align-GVGD) all suggest that this variant is likely to be disruptive. In summary, the available evidence is currently insufficient to determine the role of this variant in disease. Therefore, it has been classified as a Variant of Uncertain Significance.